The following is an entry in ClinVar:

ClinVar aggregate classification (germline): Pathogenic (1 of 4 stars; one submission).

Conditions:
Anophthalmia-microphthalmia syndrome. Also called: Anophthalmia/Microphthalmia; Anophthalmia - microphthalmia. Identifiers: Orphanet 98555, MedGen C5680330, MONDO:0020147.

Submission:

Labcorp Genetics (formerly Invitae), Labcorp
Classification: Pathogenic for Anophthalmia-microphthalmia syndrome. Last evaluated: 2023-10-13. Review status: criteria provided, single submitter. Criteria: Invitae Variant Classification Sherloc (09022015). Collection method: clinical testing. Allele origin: germline.
Comment: A gross deletion of the genomic region encompassing the full coding sequence of the OTX2 gene has been identified. Loss-of-function variants in OTX2 are known to be pathogenic (PMID: 15846561, 20486942, 22577225, 24167467). The boundaries of this event are unknown as they extend beyond the assayed region for this gene and therefore may encompass additional genes. A similar copy number variant has been observed in individual(s) with autosomal dominant agnathia-otocephaly complex and microphthalmia, anophthalmia, coloboma spectrum (PMID: 24167467, 24498598). In at least one individual the variant was observed to be de novo. For these reasons, this variant has been classified as Pathogenic.

Literature cited by the submitters: PubMed 15846561; PubMed 20486942; PubMed 22577225; PubMed 24167467; PubMed 24498598.

NC_000014.8:g.(?_57268453)_(57272174_?)del

Gene: OTX2 (orthodenticle homeobox 2; minus strand). Cytogenetic location: 14q22.3.
Variant type: Deletion.
Identifiers: ClinVar variation 1460253 (VCV001460253.6).